The following is an entry in ClinVar:

ClinVar aggregate classification (germline): Pathogenic (0 of 4 stars; one submission).

Conditions:
Alkaptonuria (AKU). Also called: Alkaptonuric ochronosis; Homogentisic acidura; Alcaptonuria; HOMOGENTISIC ACID OXIDASE DEFICIENCY. Identifiers: Orphanet 56, MedGen C0002066, MONDO:0008753, OMIM 203500.

Allele frequency attached by ClinVar (database versions not stated): gnomAD exomes below 0.00001; TOPMed below 0.00001; gnomAD 0.00001.
gnomAD v4.1: 3 of 1,578,400 alleles (0.00019%); highest among the groups gnomAD compares: East Asian, 0.0045%; no homozygotes.

Submission:

Department Of Human Genetics, Institute Of Clinical And Translational Research, Biomedical Research Center, Slovak Academy Of Sciences
Classification: Pathogenic for Alkaptonuria. Review status: no assertion criteria provided. Collection method: research. Allele origin: germline. Inheritance: Autosomal recessive inheritance. Affected: yes. Observed: 4 variant alleles.
Comment: The variant was originally described in AKU patient in PMID:10205262. It has been submitted to the HGD gene mutation database (DB-ID: AKU_00019).

Literature cited by the submitters: PubMed 10205262.

NM_000187.4(HGD):c.185A>G (p.Tyr62Cys)

Gene: HGD (homogentisate 1,2-dioxygenase; minus strand). Cytogenetic location: 3q13.33.
Variant type: single nucleotide variant.
Coding change: c.185A>G on transcript NM_000187.4 (MANE Select); coding-DNA position 185, A replaced by G.
Protein change: p.Tyr62Cys; replaces tyrosine 62 with cysteine.
Molecular consequence: missense variant.
Genome position (GRCh38, 1-based): chr3:120,670,524, T>C on the plus strand (A>G on the coding strand, the complement: HGD is on the minus strand). VCF-style: chr3-120670524-T-C. GRCh37 (hg19) VCF-style: chr3-120389371-T-C.
Other names: short protein forms Y62C.
Identifiers: ClinVar variation 2626824 (VCV002626824.1), dbSNP rs1174584850, ClinGen allele CA354081580.